The following is an entry in ClinVar:

ClinVar aggregate classification (germline): Uncertain significance. Review status: criteria provided, multiple submitters, no conflicts (2 of 4 stars). 5 submissions from 5 submitters: Uncertain significance (3). 2 of the submissions do not count toward it. Last evaluated 2024-11-17.

Conditions:
Atrial septal defect 4 (ASD4). Identifiers: Orphanet 1478, MedGen C1969657, MONDO:0012654, OMIM 611363.
Cardiovascular phenotype. Identifiers: MedGen CN230736.

Allele frequency attached by ClinVar (database versions not stated): ExAC 0.00001; gnomAD 0.00001; gnomAD exomes 0.00001; TOPMed 0.00001.

Submissions (5):

Ambry Genetics
Classification: Uncertain significance for Cardiovascular phenotype. Last evaluated: 2024-11-17. Review status: criteria provided, single submitter. Criteria: Ambry Variant Classification Scheme 2023. Collection method: clinical testing. Allele origin: germline.
Comment: The p.E2K variant (also known as c.4G>A), located in coding exon 1 of the TBX20 gene, results from a G to A substitution at nucleotide position 4. The glutamic acid at codon 2 is replaced by lysine, an amino acid with similar properties. This amino acid position is highly conserved in available vertebrate species. In addition, the in silico prediction for this alteration is inconclusive. Since supporting evidence is limited at this time, the clinical significance of this alteration remains unclear.

Labcorp Genetics (formerly Invitae), Labcorp
Classification: Uncertain significance. Last evaluated: 2024-10-30. Review status: criteria provided, single submitter. Criteria: Invitae Variant Classification Sherloc (09022015). Collection method: clinical testing. Allele origin: germline.
Comment: This sequence change replaces glutamic acid, which is acidic and polar, with lysine, which is basic and polar, at codon 2 of the TBX20 protein (p.Glu2Lys). This variant is present in population databases (rs752468331, gnomAD 0.002%). This variant has not been reported in the literature in individuals affected with TBX20-related conditions. ClinVar contains an entry for this variant (Variation ID: 1285113). An algorithm developed to predict the effect of missense changes on protein structure and function (PolyPhen-2) suggests that this variant is likely to be tolerated. In summary, the available evidence is currently insufficient to determine the role of this variant in disease. Therefore, it has been classified as a Variant of Uncertain Significance.

Fulgent Genetics
Classification: Uncertain significance for Atrial septal defect 4. Last evaluated: 2021-10-28. Review status: criteria provided, single submitter. Criteria: ACMG Guidelines, 2015. Collection method: clinical testing. Allele origin: unknown.

Clinical Genetics DNA and cytogenetics Diagnostics Lab, Erasmus MC, Erasmus Medical Center
Classification: Uncertain significance. Review status: no assertion criteria provided. Collection method: clinical testing. Allele origin: germline. Affected: yes. Study: VKGL Data-share Consensus. Not counted in ClinVar's aggregate classification.

Genome Diagnostics Laboratory, University Medical Center Utrecht
Classification: Uncertain significance. Review status: no assertion criteria provided. Collection method: clinical testing. Allele origin: germline. Affected: yes. Study: VKGL Data-share Consensus. Not counted in ClinVar's aggregate classification.

NM_001077653.2(TBX20):c.4G>A (p.Glu2Lys)

Gene: TBX20 (T-box transcription factor 20; minus strand). Cytogenetic location: 7p14.2.
Variant type: single nucleotide variant.
Coding change: c.4G>A on transcript NM_001077653.2 (MANE Select); coding-DNA position 4, G replaced by A.
Protein change: p.Glu2Lys; replaces glutamic acid 2 with lysine.
Molecular consequence: missense variant.
Genome position (GRCh38, 1-based): chr7:35,253,617, C>T on the plus strand (G>A on the coding strand, the complement: TBX20 is on the minus strand). VCF-style: chr7-35253617-C-T. GRCh37 (hg19) VCF-style: chr7-35293228-C-T.
Other names: c.4G>A, p.Glu2Lys (NM_001166220.1); short protein forms E2K.
Identifiers: ClinVar variation 1285113 (VCV001285113.14), dbSNP rs752468331, ClinGen allele CA4217622.